The following is an entry in ClinVar:

ClinVar aggregate classification (germline): Uncertain significance (1 of 4 stars; one submission).

Conditions:
UCP3-related disorder. Also called: UCP3-related condition.

Submission:

PreventionGenetics, part of Exact Sciences
Classification: Uncertain significance for UCP3-related condition. Last evaluated: 2025-07-30. Review status: criteria provided, single submitter. Criteria: ACMG Guidelines, 2015. Collection method: clinical testing. Allele origin: germline.
Comment: The UCP3 c.478A>G variant is predicted to result in the amino acid substitution p.Ser160Gly. To our knowledge, this variant has not been reported in the literature. This variant is reported in 0.011% of alleles in individuals of African descent in gnomAD. At this time, the clinical significance of this variant is uncertain due to the absence of conclusive functional and genetic evidence.

NM_003356.4(UCP3):c.478A>G (p.Ser160Gly)

Gene: UCP3 (uncoupling protein 3; minus strand). Cytogenetic location: 11q13.4.
Variant type: single nucleotide variant.
Coding change: c.478A>G on transcript NM_003356.4 (MANE Select); coding-DNA position 478, A replaced by G.
Protein change: p.Ser160Gly; replaces serine 160 with glycine.
Molecular consequence: missense variant.
Genome position (GRCh38, 1-based): chr11:74,005,793, T>C on the plus strand (A>G on the coding strand, the complement: UCP3 is on the minus strand). VCF-style: chr11-74005793-T-C. GRCh37 (hg19) VCF-style: chr11-73716838-T-C.
Other names: c.478A>G, p.Ser160Gly (NM_022803.3); short protein forms S160G.
Identifiers: ClinVar variation 4990553 (VCV004990553.1).